The following is an entry in ClinVar:

NM_000368.5(TSC1):c.3042C>T (p.His1014=)

Gene: TSC1 (TSC complex subunit 1; minus strand). Cytogenetic location: 9q34.13.
Variant type: single nucleotide variant.
Coding change: c.3042C>T on transcript NM_000368.5 (MANE Select); coding-DNA position 3042, C replaced by T.
Protein change: p.His1014=; no amino-acid change (histidine 1014 retained).
Molecular consequence: synonymous variant.
Genome position (GRCh38, 1-based): chr9:132,896,688, G>A on the plus strand (C>T on the coding strand, the complement: TSC1 is on the minus strand). VCF-style: chr9-132896688-G-A. GRCh37 (hg19) VCF-style: chr9-135772075-G-A.
Other names: c.3039C>T, p.His1013= (NM_001162426.2); c.2889C>T, p.His963= (NM_001162427.2); c.2679C>T, p.His893= (NM_001362177.2).
Identifiers: ClinVar variation 1123369 (VCV001123369.12), dbSNP rs1394343524, ClinGen allele CA467813042.
Genomic context (GRCh38, chr9:132,896,688, plus strand): 5'-ACCTCTGCTTCCACTACTGCCCCGGGCGCTGCTGGGCCTGGGGGTCTTGGTCTCACCGTT[G>A]TGGCCAGATGCCTCTTCATTGTGCCCTACCATGGAATCTGAGCACCCGTCATTACAACAG-3'
Protein context (NP_000359.1, residues 1004-1024): MVGHNEEASG[His1014=]NGETKTPRPS

ClinVar aggregate classification (germline): Benign/Likely benign. Review status: criteria provided, multiple submitters, no conflicts (2 of 4 stars). 4 submissions from 4 submitters: Benign (1); Likely benign (3). Last evaluated 2025-12-16.

Conditions:
Tuberous sclerosis syndrome (TSC). Also called: Tuberous Sclerosis Complex; Tuberous sclerosis. Identifiers: Orphanet 805, MedGen C0041341, MONDO:0001734.
Tuberous sclerosis 1 (TSC1). Identifiers: Orphanet 805, MedGen C1854465, MONDO:0008612, OMIM 191100.
Hereditary cancer-predisposing syndrome. Also called: Neoplastic Syndromes, Hereditary; Tumor predisposition; Hereditary Cancer Syndrome; Hereditary neoplastic syndrome. Identifiers: Orphanet 140162, MedGen C0027672, MeSH D009386, MONDO:0015356.

Allele frequency attached by ClinVar (database versions not stated): TOPMed below 0.00001.

Submissions (4):

Labcorp Genetics (formerly Invitae), Labcorp
Classification: Likely benign for Tuberous sclerosis 1. Last evaluated: 2025-12-16. Review status: criteria provided, single submitter. Criteria: Invitae Variant Classification Sherloc (09022015). Collection method: clinical testing. Allele origin: germline.

Color Diagnostics, LLC DBA Color Health
Classification: Likely benign for Tuberous sclerosis syndrome. Last evaluated: 2025-07-14. Review status: criteria provided, single submitter. Criteria: ACMG Guidelines, 2015. Collection method: clinical testing. Allele origin: germline.

Myriad Genetics, Inc.
Classification: Benign for Tuberous sclerosis 1. Last evaluated: 2025-04-29. Review status: criteria provided, single submitter. Criteria: Myriad Autosomal Dominant, Autosomal Recessive and X-Linked Classification Criteria (2023). Collection method: clinical testing. Allele origin: unknown.
Comment: This variant is considered benign. This variant is a silent/synonymous amino acid change and it is not expected to impact splicing.

Ambry Genetics
Classification: Likely benign for Hereditary cancer-predisposing syndrome. Last evaluated: 2019-08-21. Review status: criteria provided, single submitter. Criteria: Ambry Variant Classification Scheme 2023. Collection method: clinical testing. Allele origin: germline.